The following is an entry in ClinVar:

ClinVar aggregate classification (germline): Conflicting classifications of pathogenicity. Review status: criteria provided, conflicting classifications (1 of 4 stars). 5 submissions from 5 submitters: Uncertain significance (3); Likely benign (2). Last evaluated 2026-04-07.

Conditions:
Ullrich congenital muscular dystrophy 2 (UCMD2). Identifiers: Orphanet 75840, MedGen C4225314, MONDO:0014654, OMIM 616470.
Bethlem myopathy 2 (BTHLM2). Identifiers: Orphanet 536516, Orphanet 610, MedGen C4225313, MONDO:0034022, OMIM 616471.
Inborn genetic diseases. Identifiers: MedGen C0950123, MeSH D030342.

Allele frequency attached by ClinVar (database versions not stated): ESP Exome Variant Server 0.00042; gnomAD 0.00062 and 0.00063; TOPMed 0.00070; 1000 Genomes Project 0.00120; 1000 Genomes Project 30x 0.00125.
gnomAD v4.1: 179 of 1,614,176 alleles (0.011%); highest among the groups gnomAD compares: African/African-American, 0.21%; no homozygotes.

Submissions (5):

Women's Health and Genetics/Laboratory Corporation of America, LabCorp
Classification: Uncertain significance. Last evaluated: 2026-04-07. Review status: criteria provided, single submitter. Criteria: LabCorp Variant Classification Summary - May 2015. Collection method: clinical testing. Allele origin: germline.

Labcorp Genetics (formerly Invitae), Labcorp
Classification: Likely benign for Bethlem myopathy 2; Ullrich congenital muscular dystrophy 2. Last evaluated: 2026-01-06. Review status: criteria provided, single submitter. Criteria: Invitae Variant Classification Sherloc (09022015). Collection method: clinical testing. Allele origin: germline.

GeneDx
Classification: Uncertain significance. Last evaluated: 2024-05-02. Review status: criteria provided, single submitter. Criteria: GeneDx Variant Classification Process June 2021. Collection method: clinical testing. Allele origin: germline. Affected: yes.
Comment: Has not been previously published as pathogenic or benign to our knowledge; Observed with COL12A1 p.(T786M) in several individuals, suggesting these two variants may occur on the same allele (in cis); In silico analysis indicates that this missense variant does not alter protein structure/function

Revvity Omics, Revvity
Classification: Likely benign. Last evaluated: 2024-03-28. Review status: criteria provided, single submitter. Criteria: ACMG Guidelines, 2015. Collection method: clinical testing. Allele origin: germline.

Ambry Genetics
Classification: Uncertain significance for Inborn genetic diseases. Last evaluated: 2021-10-22. Review status: criteria provided, single submitter. Criteria: Ambry Variant Classification Scheme 2023. Collection method: clinical testing. Allele origin: germline.

NM_004370.6(COL12A1):c.1517C>G (p.Ala506Gly)

Gene: COL12A1 (collagen type XII alpha 1 chain; minus strand). Cytogenetic location: 6q13.
Variant type: single nucleotide variant.
Coding change: c.1517C>G on transcript NM_004370.6 (MANE Select); coding-DNA position 1517, C replaced by G.
Protein change: p.Ala506Gly; replaces alanine 506 with glycine.
Molecular consequence: missense variant. On other transcripts: intron variant (1).
Genome position (GRCh38, 1-based): chr6:75,183,424, G>C on the plus strand (C>G on the coding strand, the complement: COL12A1 is on the minus strand). VCF-style: chr6-75183424-G-C. GRCh37 (hg19) VCF-style: chr6-75893140-G-C.
Other names: c.73+19296C>G (NM_080645.3); short protein forms A506G.
Identifiers: ClinVar variation 798214 (VCV000798214.22), dbSNP rs189762594, ClinGen allele CA3894187.